The following is an entry in ClinVar:

ClinVar aggregate classification (germline): Uncertain significance (1 of 4 stars; one submission).

Allele frequency attached by ClinVar (database versions not stated): gnomAD exomes below 0.00001 and 0.00001; ExAC 0.00001; gnomAD 0.00001; TOPMed 0.00002.
gnomAD v4.1: 14 of 1,613,798 alleles (0.00087%); highest among the groups gnomAD compares: African/African-American, 0.0013%; no homozygotes.

Submission:

Labcorp Genetics (formerly Invitae), Labcorp
Classification: Uncertain significance. Last evaluated: 2021-08-24. Review status: criteria provided, single submitter. Criteria: Invitae Variant Classification Sherloc (09022015). Collection method: clinical testing. Allele origin: germline.
Comment: This sequence change replaces alanine with serine at codon 1990 of the CDH23 protein (p.Ala1990Ser). The alanine residue is moderately conserved and there is a moderate physicochemical difference between alanine and serine. This variant is present in population databases (rs775128556, ExAC 0.002%). This variant has not been reported in the literature in individuals affected with CDH23-related conditions. Algorithms developed to predict the effect of missense changes on protein structure and function are either unavailable or do not agree on the potential impact of this missense change (SIFT: "Tolerated"; PolyPhen-2: "Not Available"; Align-GVGD: "Class C0"). In summary, the available evidence is currently insufficient to determine the role of this variant in disease. Therefore, it has been classified as a Variant of Uncertain Significance.

NM_022124.6(CDH23):c.5968G>T (p.Ala1990Ser)

Gene: CDH23 (cadherin related 23; plus strand). Cytogenetic location: 10q22.1.
Variant type: single nucleotide variant.
Coding change: c.5968G>T on transcript NM_022124.6 (MANE Select); coding-DNA position 5968, G replaced by T.
Protein change: p.Ala1990Ser; replaces alanine 1990 with serine.
Molecular consequence: missense variant.
Genome position (GRCh38, 1-based): chr10:71,790,332, G>T. VCF-style: chr10-71790332-G-T. GRCh37 (hg19) VCF-style: chr10-73550089-G-T.
Other names: short protein forms A1990S.
Identifiers: ClinVar variation 839283 (VCV000839283.6), dbSNP rs775128556, ClinGen allele CA5545950.